The following is an entry in ClinVar:

ClinVar aggregate classification (germline): Uncertain significance (1 of 4 stars; one submission).

gnomAD v4.1: 5 of 1,613,972 alleles (0.00031%); highest among the groups gnomAD compares: Non-Finnish European, 0.00042%; no homozygotes.

Submission:

Labcorp Genetics (formerly Invitae), Labcorp
Classification: Uncertain significance. Last evaluated: 2025-10-29. Review status: criteria provided, single submitter. Criteria: Invitae Variant Classification Sherloc (09022015). Collection method: clinical testing. Allele origin: germline.
Comment: This sequence change replaces proline, which is neutral and non-polar, with leucine, which is neutral and non-polar, at codon 639 of the HYOU1 protein (p.Pro639Leu). This variant is present in population databases (no rsID available, gnomAD 0.0009%). This variant has not been reported in the literature in individuals affected with HYOU1-related conditions. An algorithm developed to predict the effect of missense changes on protein structure and function (PolyPhen-2) suggests that this variant is likely to be tolerated. In summary, the available evidence is currently insufficient to determine the role of this variant in disease. Therefore, it has been classified as a Variant of Uncertain Significance.

NM_006389.5(HYOU1):c.1916C>T (p.Pro639Leu)

Gene: HYOU1 (hypoxia up-regulated 1; minus strand). Cytogenetic location: 11q23.3.
Variant type: single nucleotide variant.
Coding change: c.1916C>T on transcript NM_006389.5 (MANE Select); coding-DNA position 1916, C replaced by T.
Protein change: p.Pro639Leu; replaces proline 639 with leucine.
Molecular consequence: missense variant.
Genome position (GRCh38, 1-based): chr11:119,049,094, G>A on the plus strand (C>T on the coding strand, the complement: HYOU1 is on the minus strand). VCF-style: chr11-119049094-G-A. GRCh37 (hg19) VCF-style: chr11-118919806-G-A.
Other names: c.1916C>T, p.Pro639Leu (NM_001130991.3, NM_001411041.1); short protein forms P639L.
Identifiers: ClinVar variation 4777425 (VCV004777425.1).